The following is an entry in ClinVar:

NM_014000.3(VCL):c.2014A>G (p.Thr672Ala)

Gene: VCL (vinculin; plus strand). Cytogenetic location: 10q22.2.
Variant type: single nucleotide variant.
Coding change: c.2014A>G on transcript NM_014000.3 (MANE Select); coding-DNA position 2014, A replaced by G.
Protein change: p.Thr672Ala; replaces threonine 672 with alanine.
Molecular consequence: missense variant.
Genome position (GRCh38, 1-based): chr10:74,101,089, A>G. VCF-style: chr10-74101089-A-G. GRCh37 (hg19) VCF-style: chr10-75860847-A-G.
Other names: c.2014A>G, p.Thr672Ala (NM_003373.4); short protein forms T672A.
Identifiers: ClinVar variation 3670145 (VCV003670145.2).

ClinVar aggregate classification (germline): Uncertain significance (1 of 4 stars; one submission).

Conditions:
Dilated cardiomyopathy 1W (CMD1W). Identifiers: Orphanet 154, MedGen C1969639, MONDO:0012667, OMIM 611407.

Submission:

Labcorp Genetics (formerly Invitae), Labcorp
Classification: Uncertain significance for Dilated cardiomyopathy 1W. Last evaluated: 2024-02-19. Review status: criteria provided, single submitter. Criteria: Invitae Variant Classification Sherloc (09022015). Collection method: clinical testing. Allele origin: germline.
Comment: This sequence change replaces threonine, which is neutral and polar, with alanine, which is neutral and non-polar, at codon 672 of the VCL protein (p.Thr672Ala). This variant is not present in population databases (gnomAD no frequency). This variant has not been reported in the literature in individuals affected with VCL-related conditions. An algorithm developed to predict the effect of missense changes on protein structure and function (PolyPhen-2) suggests that this variant is likely to be disruptive. In summary, the available evidence is currently insufficient to determine the role of this variant in disease. Therefore, it has been classified as a Variant of Uncertain Significance.